The following is an entry in ClinVar:

NM_000051.4(ATM):c.2536C>G (p.Leu846Val)

Gene: ATM (ATM serine/threonine kinase; plus strand). Cytogenetic location: 11q22.3.
Variant type: single nucleotide variant.
Coding change: c.2536C>G on transcript NM_000051.4 (MANE Select); coding-DNA position 2536, C replaced by G.
Protein change: p.Leu846Val; replaces leucine 846 with valine.
Molecular consequence: missense variant.
Genome position (GRCh38, 1-based): chr11:108,267,240, C>G. VCF-style: chr11-108267240-C-G. GRCh37 (hg19) VCF-style: chr11-108137967-C-G.
Other names: c.2536C>G, p.Leu846Val (NM_001351834.2); short protein forms L846V.
Identifiers: ClinVar variation 485164 (VCV000485164.20), dbSNP rs1555082186, ClinGen allele CA382543586.
Genomic context (GRCh38, chr11:108,267,240, plus strand): 5'-ATCAAAAAGCCATTTGACCGTGGAGAAGTAGAATCAATGGAAGATGATACTAATGGAAAT[C>G]TAATGGAGGTGGAGGATCAGTCATCCATGAATCTATTTAACGATTACCCTGATAGTAGTG-3'
Protein context (NP_000042.3, residues 836-856): ESMEDDTNGN[Leu846Val]MEVEDQSSMN

ClinVar aggregate classification (germline): Conflicting classifications of pathogenicity. Review status: criteria provided, conflicting classifications (1 of 4 stars). 4 submissions from 4 submitters: Uncertain significance (2); Likely benign (1). 1 of the submissions does not count toward it. Last evaluated 2025-03-19.

Conditions:
Hereditary cancer-predisposing syndrome. Also called: Hereditary neoplastic syndrome; Neoplastic Syndromes, Hereditary; Tumor predisposition; Hereditary Cancer Syndrome. Identifiers: Orphanet 140162, MedGen C0027672, MeSH D009386, MONDO:0015356.
Ataxia-telangiectasia syndrome (AT). Also called: LOUIS-BAR SYNDROME; Cerebello-oculocutaneous telangiectasia; Immunodeficiency with ataxia telangiectasia; AT, COMPLEMENTATION GROUP C; Ataxia-telangiectasia, complementation group D; ATAXIA-TELANGIECTASIA, COMPLEMENTATION GROUP A. Identifiers: Orphanet 100, MedGen C0004135, MONDO:0008840, OMIM 208900.

gnomAD v4.1: 2 of 1,614,112 alleles (0.00012%); highest among the groups gnomAD compares: East Asian, 0.0022%; no homozygotes.

Submissions (4):

Labcorp Genetics (formerly Invitae), Labcorp
Classification: Uncertain significance for Ataxia-telangiectasia syndrome. Last evaluated: 2025-03-19. Review status: criteria provided, single submitter. Criteria: Invitae Variant Classification Sherloc (09022015). Collection method: clinical testing. Allele origin: germline.
Comment: This sequence change replaces leucine, which is neutral and non-polar, with valine, which is neutral and non-polar, at codon 846 of the ATM protein (p.Leu846Val). This variant is not present in population databases (gnomAD no frequency). This missense change has been observed in individual(s) with ATM-related conditions (PMID: 35171259). ClinVar contains an entry for this variant (Variation ID: 485164). Invitae Evidence Modeling of protein sequence and biophysical properties (such as structural, functional, and spatial information, amino acid conservation, physicochemical variation, residue mobility, and thermodynamic stability) indicates that this missense variant is not expected to disrupt ATM protein function with a negative predictive value of 95%. In summary, the available evidence is currently insufficient to determine the role of this variant in disease. Therefore, it has been classified as a Variant of Uncertain Significance.

GeneDx
Classification: Uncertain significance. Last evaluated: 2024-10-11. Review status: criteria provided, single submitter. Criteria: GeneDx Variant Classification Process June 2021. Collection method: clinical testing. Allele origin: germline. Affected: yes.
Comment: Not observed at significant frequency in large population cohorts (gnomAD); In silico analysis indicates that this missense variant does not alter protein structure/function; Observed in an individual with a solid pseudopapillary tumor (PMID: 35171259); This variant is associated with the following publications: (PMID: 35171259)

Ambry Genetics
Classification: Likely benign for Hereditary cancer-predisposing syndrome. Last evaluated: 2024-03-21. Review status: criteria provided, single submitter. Criteria: Ambry Variant Classification Scheme 2023. Collection method: clinical testing. Allele origin: germline.

Natera, Inc.
Classification: Uncertain significance for Ataxia-telangiectasia. Last evaluated: 2020-11-16. Review status: no assertion criteria provided. Collection method: clinical testing. Allele origin: germline. Not counted in ClinVar's aggregate classification.

Literature cited by the submitters: PubMed 35171259 (cited by Labcorp Genetics (formerly Invitae), Labcorp and Ambry Genetics).